The following is an entry in ClinVar:

NM_001401501.2(MUC16):c.13992T>C (p.Asn4664=)

Gene: MUC16 (mucin 16, cell surface associated; minus strand). Cytogenetic location: 19p13.2.
Variant type: single nucleotide variant.
Coding change: c.13992T>C on transcript NM_001401501.2 (MANE Select); coding-DNA position 13992, T replaced by C.
Protein change: p.Asn4664=; no amino-acid change (asparagine 4664 retained).
Molecular consequence: synonymous variant.
Genome position (GRCh38, 1-based): chr19:8,962,898, A>G on the plus strand (T>C on the coding strand, the complement: MUC16 is on the minus strand). VCF-style: chr19-8962898-A-G. GRCh37 (hg19) VCF-style: chr19-9073574-A-G.
Other names: c.14418T>C, p.Asn4806= (NM_001414686.1); c.13872T>C, p.Asn4624= (NM_001414687.1, NM_024690.2).
Identifiers: ClinVar variation 2649256 (VCV002649256.24), dbSNP rs765776584, ClinGen allele CA9170685.
Genomic context (GRCh38, chr19:8,962,898, plus strand): 5'-TGTTGCATCAAAAGAGGGGACTTCCATTTTTGTGGCTTCAGTAATAGCCCCCACAGACAC[A>G]TTGGAGAGGATGATGTTTGACTCTGTAGTTGAGTTCATCTCCTGGAGGGTGCTGTTCTCT-3'
Protein context (NP_001388430.1, residues 4654-4674): STTESNIILS[Asn4664=]VSVGAITEAT

ClinVar aggregate classification (germline): Likely benign (1 of 4 stars; one submission).

Allele frequency attached by ClinVar (database versions not stated): gnomAD 0.00002; TOPMed 0.00002; gnomAD exomes 0.00004; ExAC 0.00012.

Submission:

CeGaT Center for Human Genetics Tuebingen
Classification: Likely benign. Last evaluated: 2022-12-01. Review status: criteria provided, single submitter. Criteria: CeGaT Center For Human Genetics Tuebingen Variant Classification Criteria Version 2. Collection method: clinical testing. Allele origin: germline. Affected: yes. Observed: 1 variant allele.
Comment: MUC16: BP4, BP7